The following is an entry in ClinVar:

ClinVar aggregate classification (germline): Uncertain significance. Review status: criteria provided, multiple submitters, no conflicts (2 of 4 stars). 2 submissions from 2 submitters: Uncertain significance (2). Last evaluated 2026-05-15.

Conditions:
Hereditary cancer-predisposing syndrome. Also called: Tumor predisposition; Hereditary neoplastic syndrome; Neoplastic Syndromes, Hereditary; Hereditary Cancer Syndrome. Identifiers: Orphanet 140162, MedGen C0027672, MeSH D009386, MONDO:0015356.
Tuberous sclerosis 2 (TSC2). Identifiers: Orphanet 805, MedGen C1860707, MONDO:0013199, OMIM 613254.

gnomAD v4.1: 1 of 1,610,620 alleles (0.000062%); highest among the groups gnomAD compares: Non-Finnish European, 0.000085%; no homozygotes.

Submissions (2):

Ambry Genetics
Classification: Uncertain significance for Hereditary cancer-predisposing syndrome. Last evaluated: 2026-05-15. Review status: criteria provided, single submitter. Criteria: Ambry Variant Classification Scheme 2023. Collection method: clinical testing. Allele origin: germline.
Comment: The p.E1318K variant (also known as c.3952G>A), located in coding exon 32 of the TSC2 gene, results from a G to A substitution at nucleotide position 3952. The glutamic acid at codon 1318 is replaced by lysine, an amino acid with similar properties. This amino acid position is conserved. In addition, this alteration is predicted to be deleterious by in silico analysis. Based on the available evidence, the clinical significance of this variant remains unclear.

Labcorp Genetics (formerly Invitae), Labcorp
Classification: Uncertain significance for Tuberous sclerosis 2. Last evaluated: 2024-02-28. Review status: criteria provided, single submitter. Criteria: Invitae Variant Classification Sherloc (09022015). Collection method: clinical testing. Allele origin: germline.
Comment: This sequence change replaces glutamic acid, which is acidic and polar, with lysine, which is basic and polar, at codon 1318 of the TSC2 protein (p.Glu1318Lys). This variant is not present in population databases (gnomAD no frequency). This variant has not been reported in the literature in individuals affected with TSC2-related conditions. ClinVar contains an entry for this variant (Variation ID: 468051). Advanced modeling of protein sequence and biophysical properties (such as structural, functional, and spatial information, amino acid conservation, physicochemical variation, residue mobility, and thermodynamic stability) performed at Invitae indicates that this missense variant is not expected to disrupt TSC2 protein function with a negative predictive value of 95%. In summary, the available evidence is currently insufficient to determine the role of this variant in disease. Therefore, it has been classified as a Variant of Uncertain Significance.

NM_000548.5(TSC2):c.3952G>A (p.Glu1318Lys)

Gene: TSC2 (TSC complex subunit 2; plus strand). Cytogenetic location: 16p13.3.
Variant type: single nucleotide variant.
Coding change: c.3952G>A on transcript NM_000548.5 (MANE Select); coding-DNA position 3952, G replaced by A.
Protein change: p.Glu1318Lys; replaces glutamic acid 1318 with lysine.
Molecular consequence: missense variant.
Genome position (GRCh38, 1-based): chr16:2,083,763, G>A. VCF-style: chr16-2083763-G-A. GRCh37 (hg19) VCF-style: chr16-2133764-G-A.
Other names: c.3751G>A, p.Glu1251Lys (NM_001077183.3); c.3883G>A, p.Glu1295Lys (NM_001114382.3); c.3643G>A, p.Glu1215Lys (NM_001318827.2); c.3607G>A, p.Glu1203Lys (NM_001318829.2); c.3220G>A, p.Glu1074Lys (NM_001318831.2); c.3784G>A, p.Glu1262Lys (NM_001318832.2); c.3754G>A, p.Glu1252Lys (NM_001363528.2); c.3820G>A, p.Glu1274Lys (NM_001370404.1); and 1 more; short protein forms E1318K, E1203K, E1215K, E1262K, E1275K, E1074K, E1252K, E1251K.
Identifiers: ClinVar variation 468051 (VCV000468051.11), dbSNP rs1064793797, ClinGen allele CA394297414.